The following is an entry in ClinVar:

ClinVar aggregate classification (germline): Likely benign (1 of 4 stars; one submission).

Allele frequency attached by ClinVar (database versions not stated): 1000 Genomes Project 0.00200; 1000 Genomes Project 30x 0.00234; gnomAD 0.00451; TOPMed 0.00469; ESP Exome Variant Server 0.00498; ExAC 0.00512; gnomAD exomes 0.00709.
gnomAD v4.1: 10,968 of 1,613,716 alleles (0.68%); highest among the groups gnomAD compares: Non-Finnish European, 0.84%; 53 homozygotes.

Submission:

CeGaT Center for Human Genetics Tuebingen
Classification: Likely benign. Last evaluated: 2023-02-01. Review status: criteria provided, single submitter. Criteria: CeGaT Center For Human Genetics Tuebingen Variant Classification Criteria Version 2. Collection method: clinical testing. Allele origin: germline. Affected: yes. Observed: 1 variant allele.
Comment: TENM2: PP2, BS2

NM_001395460.1(TENM2):c.1415A>G (p.His472Arg)

Gene: TENM2 (teneurin transmembrane protein 2; plus strand). Cytogenetic location: 5q34.
Variant type: single nucleotide variant.
Coding change: c.1415A>G on transcript NM_001395460.1 (MANE Select); coding-DNA position 1415, A replaced by G.
Protein change: p.His472Arg; replaces histidine 472 with arginine.
Molecular consequence: missense variant.
Genome position (GRCh38, 1-based): chr5:168,062,165, A>G. VCF-style: chr5-168062165-A-G. GRCh37 (hg19) VCF-style: chr5-167489170-A-G.
Other names: c.719A>G, p.His240Arg (NM_001080428.3); c.1415A>G, p.His472Arg (NM_001122679.2); c.959A>G, p.His320Arg (NM_001368145.1, NM_001368146.1); short protein forms H240R, H320R, H472R.
Identifiers: ClinVar variation 2656027 (VCV002656027.24), dbSNP rs72824990, ClinGen allele CA3546732.
Genomic context (GRCh38, chr5:168,062,165, plus strand): 5'-AAGTTGGTCGGCGGGTAACACAAGAAGTCCCACCAGGGGTGTTTTGGAGGTCACAAATTC[A>G]CATCAGTCAGCCCCAGTTCTTAAAGTTCAACATCTCCCTCGGGAAGGACGCTCTCTTTGG-3'
Protein context (NP_001382389.1, residues 462-482): PPGVFWRSQI[His472Arg]ISQPQFLKFN